The following is an entry in ClinVar:

NM_000202.8(IDS):c.590del (p.Pro197fs)

Genes: IDS (iduronate 2-sulfatase; minus strand), LOC106050102 (IDS recombination region; plus strand). Cytogenetic location: Xq28.
Variant type: Deletion.
Coding change: c.590del on transcript NM_000202.8 (MANE Select); coding-DNA position 590, one base deleted (C; older notation c.590delC).
Protein change: p.Pro197fs; shifts the reading frame from proline 197.
Molecular consequence: frameshift variant. On other transcripts: non-coding transcript variant (1).
Genome position (GRCh38, 1-based): chrX:149,498,225, G deleted on the plus strand (C on the coding strand, the reverse complement: IDS is on the minus strand); the first of 2 consecutive G bases (chrX:149,498,225-149,498,226); deleting either gives the same sequence. VCF-style (leftmost placement, unchanged base first): chrX-149498224-AG-A. GRCh37 (hg19) VCF-style: chrX-148579755-AG-A.
Other names: c.320del, p.Pro107fs (NM_001166550.4); c.590del, p.Pro197fs (NM_006123.5); short protein forms P107fs, P197fs.
Identifiers: ClinVar variation 3255772 (VCV003255772.2).

ClinVar aggregate classification (germline): Pathogenic (1 of 4 stars; one submission).

Conditions:
Mucopolysaccharidosis, MPS-II (MPS2). Also called: Hunter Syndrome; IDURONATE 2-SULFATASE DEFICIENCY; Mucopolysaccharidosis Type II; Mucopolysaccharidosis type 2; Attenuated MPS (subtype; formerly known as mild MPS II); Severe MPS II. Identifiers: Orphanet 580, Orphanet 79388, MedGen C0026705, MONDO:0010674, OMIM 309900.

Submission:

Laboratory of Diagnosis and Therapy of Lysosomal Disorders, University of Padova
Classification: Pathogenic for Mucopolysaccharidosis, MPS-II. Last evaluated: 2024-06-07. Review status: criteria provided, single submitter. Criteria: ACMG Guidelines, 2015. Collection method: literature only. Allele origin: germline. Affected: yes. Observed: 1 variant allele.
Comment: Null variant (PVS1_VeryStrong), Absent from controls (or at low frequency) in gnomAD database (PM2_Moderate), Patient’s phenotype or family history highly specific for the disease (PP4_Strong)

Classification method: ACMG Guidelines [PMID:25741868] with modifications

Literature cited by the submitters: PubMed 16770800.